The following is an entry in ClinVar:

NM_000285.4(PEPD):c.1152+17C>T

Gene: PEPD (peptidase D; minus strand). Cytogenetic location: 19q13.11.
Variant type: single nucleotide variant.
Coding change: c.1152+17C>T on transcript NM_000285.4 (MANE Select); 17 bases into the intron after coding-DNA position 1152, C replaced by T.
Molecular consequence: intron variant.
Genome position (GRCh38, 1-based): chr19:33,391,278, G>A on the plus strand (C>T on the coding strand, the complement: PEPD is on the minus strand). VCF-style: chr19-33391278-G-A. GRCh37 (hg19) VCF-style: chr19-33882184-G-A.
Other names: p.?; c.960+17C>T (NM_001166057.2); c.1029+17C>T (NM_001166056.2).
Identifiers: ClinVar variation 1594746 (VCV001594746.11), dbSNP rs200446480, ClinGen allele CA9363994.

ClinVar aggregate classification (germline): Benign/Likely benign. Review status: criteria provided, multiple submitters, no conflicts (2 of 4 stars). 3 submissions from 3 submitters: Benign (1); Likely benign (2). Last evaluated 2026-01-06.

Allele frequency attached by ClinVar (database versions not stated): gnomAD exomes 0.00015 and 0.00039; ExAC 0.00059; gnomAD 0.00151 and 0.00166; TOPMed 0.00167; 1000 Genomes Project 0.00200; 1000 Genomes Project 30x 0.00250.
gnomAD v4.1: 454 of 1,604,012 alleles (0.028%); highest among the groups gnomAD compares: African/African-American, 0.54%; 5 homozygotes.

Submissions (5):

Labcorp Genetics (formerly Invitae), Labcorp
Classification: Benign. Last evaluated: 2026-01-06. Review status: criteria provided, single submitter. Criteria: Invitae Variant Classification Sherloc (09022015). Collection method: clinical testing. Allele origin: germline.

Blueprint Genetics
Classification: Likely benign. Last evaluated: 2024-04-11. Review status: criteria provided, single submitter. Criteria: ACMG Guidelines, 2015. Collection method: clinical testing. Allele origin: germline.

Mayo Clinic Laboratories, Mayo Clinic
Classification: Likely benign. Last evaluated: 2023-07-21. Review status: criteria provided, single submitter. Criteria: ACMG Guidelines, 2015. Collection method: clinical testing. Allele origin: germline. Observed: 1 variant allele.
Comment: BA1

Dr. Peter K. Rogan Lab, Western University
No classification provided (evidence only). Condition: Uterine corpus endometrial carcinoma. Review status: no classification provided. Collection method: in vitro. Allele origin: not applicable. Functional consequence: retained intron. Not counted in ClinVar's aggregate classification.

Dr. Peter K. Rogan Lab, Western University
No classification provided (evidence only). Condition: Ovarian serous cystadenocarcinoma. Review status: no classification provided. Collection method: in vitro. Allele origin: not applicable. Functional consequence: retained intron. Not counted in ClinVar's aggregate classification.